The following is an entry in ClinVar:

ClinVar aggregate classification (germline): Uncertain significance (1 of 4 stars; one submission).

Conditions:
Hypertrophic cardiomyopathy 26. Also called: Cardiomyopathy, familial hypertrophic, 26. Identifiers: Orphanet 75249, MedGen C4310749, MONDO:0014883, OMIM 617047.
Distal myopathy with posterior leg and anterior hand involvement. Also called: WILLIAMS DISTAL MYOPATHY. Identifiers: Orphanet 63273, MedGen C3279722, MONDO:0013550, OMIM 614065.
Myofibrillar myopathy 5. Also called: Filaminopathy (type); FILAMINOPATHY, AUTOSOMAL DOMINANT. Identifiers: Orphanet 171445, MedGen C1836050, MONDO:0012289, OMIM 609524.

Submission:

Labcorp Genetics (formerly Invitae), Labcorp
Classification: Uncertain significance for Distal myopathy with posterior leg and anterior hand involvement; Myofibrillar myopathy 5; Hypertrophic cardiomyopathy 26. Last evaluated: 2020-08-11. Review status: criteria provided, single submitter. Criteria: Invitae Variant Classification Sherloc (09022015). Collection method: clinical testing. Allele origin: germline.
Comment: In summary, the available evidence is currently insufficient to determine the role of this variant in disease. Therefore, it has been classified as a Variant of Uncertain Significance. Algorithms developed to predict the effect of missense changes on protein structure and function are either unavailable or do not agree on the potential impact of this missense change (SIFT: "Deleterious"; PolyPhen-2: "Benign"; Align-GVGD: "Class C0"). This variant has not been reported in the literature in individuals with FLNC-related conditions. This sequence change replaces glutamine with histidine at codon 2425 of the FLNC protein (p.Gln2425His). The glutamine residue is highly conserved and there is a small physicochemical difference between glutamine and histidine. This variant is not present in population databases (ExAC no frequency).

NM_001458.5(FLNC):c.7275G>C (p.Gln2425His)

Genes: FLNC-AS1 (FLNC antisense RNA 1; minus strand), FLNC (filamin C; plus strand). Cytogenetic location: 7q32.1.
Variant type: single nucleotide variant.
Coding change: c.7275G>C on transcript NM_001458.5 (MANE Select); coding-DNA position 7275, G replaced by C.
Protein change: p.Gln2425His; replaces glutamine 2425 with histidine.
Molecular consequence: missense variant.
Genome position (GRCh38, 1-based): chr7:128,856,541, G>C. VCF-style: chr7-128856541-G-C. GRCh37 (hg19) VCF-style: chr7-128496595-G-C.
Other names: c.7176G>C, p.Gln2392His (NM_001127487.2); short protein forms Q2392H, Q2425H.
Identifiers: ClinVar variation 1053774 (VCV001053774.9), dbSNP rs2128940112, ClinGen allele CA369216475.